The following is an entry in ClinVar:

ClinVar aggregate classification (germline): Pathogenic. Review status: criteria provided, multiple submitters, no conflicts (2 of 4 stars). 3 submissions from 3 submitters: Pathogenic (3). Last evaluated 2025-12-19.

Submissions (3):

Labcorp Genetics (formerly Invitae), Labcorp
Classification: Pathogenic. Last evaluated: 2025-12-19. Review status: criteria provided, single submitter. Criteria: Invitae Variant Classification Sherloc (09022015). Collection method: clinical testing. Allele origin: germline.
Comment: This sequence change creates a premature translational stop signal (p.Trp704*) in the CUL7 gene. It is expected to result in an absent or disrupted protein product. Loss-of-function variants in CUL7 are known to be pathogenic (PMID: 16142236, 17675530, 19225462). This variant is not present in population databases (gnomAD no frequency). This premature translational stop signal has been observed in individuals with 3-M syndrome (PMID: 16142236, 19225462, 32924381). ClinVar contains an entry for this variant (Variation ID: 498089). For these reasons, this variant has been classified as Pathogenic.

GeneDx
Classification: Pathogenic. Last evaluated: 2023-10-18. Review status: criteria provided, single submitter. Criteria: GeneDx Variant Classification Process June 2021. Collection method: clinical testing. Allele origin: germline. Affected: yes.
Comment: Observed with a nonsense variant in a patient with clinical features consistent with CUL7-related 3-M syndrome in the published literature, but it is not known whether the variants occurred on the same (in cis) or on different (in trans) chromosomes (Huber et al., 2009); Nonsense variant predicted to result in protein truncation or nonsense mediated decay in a gene for which loss of function is a known mechanism of disease; Not observed at significant frequency in large population cohorts (gnomAD); This variant is associated with the following publications: (PMID: 25525159, 16142236, 17675530, 32924381, 37673300, 19225462)

Eurofins Ntd Llc (ga)
Classification: Pathogenic. Last evaluated: 2016-12-07. Review status: criteria provided, single submitter. Criteria: EGL Classification Definitions 2015. Collection method: clinical testing. Allele origin: germline. Observed: 1 variant allele, 1 heterozygote.

Literature cited by the submitters: PubMed 16142236 (cited by Labcorp Genetics (formerly Invitae), Labcorp); PubMed 17675530 (cited by Labcorp Genetics (formerly Invitae), Labcorp); PubMed 19225462 (cited by Labcorp Genetics (formerly Invitae), Labcorp); PubMed 32924381 (cited by Labcorp Genetics (formerly Invitae), Labcorp).

NM_014780.5(CUL7):c.2112G>A (p.Trp704Ter)

Gene: CUL7 (cullin 7; minus strand). Cytogenetic location: 6p21.1.
Variant type: single nucleotide variant.
Coding change: c.2112G>A on transcript NM_014780.5 (MANE Select); coding-DNA position 2112, G replaced by A.
Protein change: p.Trp704Ter; replaces tryptophan 704 with a stop codon.
Molecular consequence: nonsense.
Genome position (GRCh38, 1-based): chr6:43,048,205, C>T on the plus strand (G>A on the coding strand, the complement: CUL7 is on the minus strand). VCF-style: chr6-43048205-C-T. GRCh37 (hg19) VCF-style: chr6-43015943-C-T.
Other names: c.2208G>A, p.Trp736Ter (NM_001168370.2, NM_001374872.1); c.2112G>A, p.Trp704Ter (NM_001374873.1, NM_001374874.1); c.2112G>A (NM_014780.4); short protein forms W704*, W736*.
Identifiers: ClinVar variation 498089 (VCV000498089.14), dbSNP rs1554138577, ClinGen allele CA364218434.
Genomic context (GRCh38, chr6:43,048,205, plus strand): 5'-TACCTCTCGATCAGTGTTTGGGGACCGCAGGCAGGCCATGCAGGCATCCACGGCCTCGTG[C>T]CAGGGGAGCAGCAGTGCCTCGGGGAAGTCCACCAGCTGCTTCAGGATTCTGGGGGCAGAG-3'